The following is an entry in ClinVar:

ClinVar aggregate classification (germline): Pathogenic (1 of 4 stars; one submission).

Conditions:
Hereditary cancer-predisposing syndrome. Also called: Hereditary Cancer Syndrome; Neoplastic Syndromes, Hereditary; Hereditary neoplastic syndrome; Tumor predisposition. Identifiers: Orphanet 140162, MedGen C0027672, MeSH D009386, MONDO:0015356.

Submission:

Ambry Genetics
Classification: Pathogenic for Hereditary cancer-predisposing syndrome. Last evaluated: 2016-03-23. Review status: criteria provided, single submitter. Criteria: Ambry Autosomal Dominant and X-Linked criteria (10/2015). Collection method: clinical testing. Allele origin: germline. Observed: 1 variant allele.
Comment: The c.154delT pathogenic mutation, located in coding exon 2 of the NF1 gene, results from a deletion of one nucleotide at nucleotide position 154, causing a translational frameshift with a predicted alternate stop codon. This alteration has been reported in a cohort of patients referred for NF1 testing with a clinical diagnosis or suspicion of NF1 (Xu W et al.IntJMolMed. 2014;34(1):53-60).Inaddition to the clinical data presented in the literature, since frameshifts are typically deleterious in nature, this alteration is interpreted as a disease-causing mutation (ACMG Recommendations for Standards for Interpretation and Reporting of Sequence Variations. Revision 2007. Genet Med. 2008;10:294).

Literature cited by the submitters: PubMed 24789688.

NM_001042492.3(NF1):c.154del (p.Ser52fs)

Gene: NF1 (neurofibromin 1; plus strand). Cytogenetic location: 17q11.2.
Variant type: Deletion.
Coding change: c.154del on transcript NM_001042492.3 (MANE Select); coding-DNA position 154, one base deleted (T; older notation c.154delT).
Protein change: p.Ser52fs; shifts the reading frame from serine 52.
Molecular consequence: frameshift variant.
Genome position (GRCh38, 1-based): chr17:31,156,076, T deleted; the last of 4 consecutive T bases (chr17:31,156,073-31,156,076); deleting any one gives the same sequence. VCF-style (leftmost placement, unchanged base first): chr17-31156072-GT-G. GRCh37 (hg19) VCF-style: chr17-29483090-GT-G.
Other names: c.154delT, p.Ser52Leufs (NM_000267.4); c.154del, p.Ser52fs (NM_001128147.3); short protein forms S52fs.
Identifiers: ClinVar variation 428989 (VCV000428989.3), dbSNP rs1131691109, ClinGen allele CA645369657.